The following is an entry in ClinVar:

NM_001065.4(TNFRSF1A):c.25C>G (p.Leu9Val)

Gene: TNFRSF1A (TNF receptor superfamily member 1A; minus strand). Cytogenetic location: 12p13.31.
Variant type: single nucleotide variant.
Coding change: c.25C>G on transcript NM_001065.4 (MANE Select); coding-DNA position 25, C replaced by G.
Protein change: p.Leu9Val; replaces leucine 9 with valine.
Molecular consequence: missense variant. On other transcripts: 5 prime UTR variant (2), non-coding transcript variant (1).
Genome position (GRCh38, 1-based): chr12:6,341,790, G>C on the plus strand (C>G on the coding strand, the complement: TNFRSF1A is on the minus strand). VCF-style: chr12-6341790-G-C. GRCh37 (hg19) VCF-style: chr12-6450956-G-C.
Other names: c.-146C>G (NM_001346091.2); c.-553C>G (NM_001346092.2); short protein forms L9V.
Identifiers: ClinVar variation 3635061 (VCV003635061.2).

ClinVar aggregate classification (germline): Uncertain significance (1 of 4 stars; one submission).

Conditions:
TNF receptor-associated periodic fever syndrome (TRAPS) (FPF). Also called: FAMILIAL HIBERNIAN FEVER; TNF RECEPTOR-ASSOCIATED PERIODIC SYNDROME; TUMOR NECROSIS FACTOR RECEPTOR-ASSOCIATED PERIODIC SYNDROME; Autosomal Dominant Familial Periodic Fever; TNF Receptor-Associated Periodic Fever Syndrome; TNF receptor 1-associated periodic fever syndrome. Identifiers: Orphanet 32960, MedGen C1275126, MONDO:0007727, OMIM 142680.

Submission:

Labcorp Genetics (formerly Invitae), Labcorp
Classification: Uncertain significance for TNF receptor-associated periodic fever syndrome (TRAPS). Last evaluated: 2024-09-10. Review status: criteria provided, single submitter. Criteria: Invitae Variant Classification Sherloc (09022015). Collection method: clinical testing. Allele origin: germline.
Comment: This sequence change replaces leucine, which is neutral and non-polar, with valine, which is neutral and non-polar, at codon 9 of the TNFRSF1A protein (p.Leu9Val). This variant is not present in population databases (gnomAD no frequency). This variant has not been reported in the literature in individuals affected with TNFRSF1A-related conditions. Invitae Evidence Modeling of protein sequence and biophysical properties (such as structural, functional, and spatial information, amino acid conservation, physicochemical variation, residue mobility, and thermodynamic stability) has been performed for this missense variant. However, the output from this modeling did not meet the statistical confidence thresholds required to predict the impact of this variant on TNFRSF1A protein function. In summary, the available evidence is currently insufficient to determine the role of this variant in disease. Therefore, it has been classified as a Variant of Uncertain Significance.